The following is an entry in ClinVar:

ClinVar aggregate classification (germline): Uncertain significance (1 of 4 stars; one submission).

Submission:

Mayo Clinic Laboratories, Mayo Clinic
Classification: Uncertain significance. Last evaluated: 2025-10-27. Review status: criteria provided, single submitter. Criteria: ACMG Guidelines, 2015. Collection method: clinical testing. Allele origin: germline. Observed: 1 variant allele.
Comment: PM2_supporting

NM_001142864.4(PIEZO1):c.4776T>G (p.Ser1592Arg)

Gene: PIEZO1 (piezo type mechanosensitive ion channel component 1 (Er blood group); minus strand). Cytogenetic location: 16q24.3.
Variant type: single nucleotide variant.
Coding change: c.4776T>G on transcript NM_001142864.4 (MANE Select); coding-DNA position 4776, T replaced by G.
Protein change: p.Ser1592Arg; replaces serine 1592 with arginine.
Molecular consequence: missense variant.
Genome position (GRCh38, 1-based): chr16:88,722,397, A>C on the plus strand (T>G on the coding strand, the complement: PIEZO1 is on the minus strand). VCF-style: chr16-88722397-A-C. GRCh37 (hg19) VCF-style: chr16-88788805-A-C.
Other names: p.?; short protein forms S1592R.
Identifiers: ClinVar variation 4542089 (VCV004542089.1).